The following is an entry in ClinVar:

ClinVar aggregate classification (germline): Pathogenic (1 of 4 stars; one submission).

Submission:

Labcorp Genetics (formerly Invitae), Labcorp
Classification: Pathogenic. Last evaluated: 2025-03-05. Review status: criteria provided, single submitter. Criteria: Invitae Variant Classification Sherloc (09022015). Collection method: clinical testing. Allele origin: germline.
Comment: This sequence change creates a premature translational stop signal (p.Arg974Glyfs*3) in the MYO6 gene. It is expected to result in an absent or disrupted protein product. Loss-of-function variants in MYO6 are known to be pathogenic (PMID: 12687499, 18348273, 23767834, 25999546, 30582396). This variant is not present in population databases (gnomAD no frequency). This variant has not been reported in the literature in individuals affected with MYO6-related conditions. For these reasons, this variant has been classified as Pathogenic.

Literature cited by the submitters: PubMed 12687499; PubMed 18348273; PubMed 23767834; PubMed 25999546; PubMed 30582396.

NM_004999.4(MYO6):c.2919_2920del (p.Arg974fs)

Gene: MYO6 (myosin VI; plus strand). Cytogenetic location: 6q14.1.
Variant type: Deletion.
Coding change: c.2919_2920del on transcript NM_004999.4 (MANE Select); coding-DNA positions 2919 to 2920, 2 bases deleted (AA; older notation c.2919_2920delAA).
Protein change: p.Arg974fs; shifts the reading frame from arginine 974.
Molecular consequence: frameshift variant. On other transcripts: non-coding transcript variant (1).
Genome position (GRCh38, 1-based): chr6:75,891,279-75,891,280, AA deleted; deleting any 2 consecutive bases within chr6:75,891,277-75,891,280 gives the same sequence; the c. name uses the placement nearest the transcript's 3' end. VCF-style (leftmost placement, unchanged base first): chr6-75891276-GAA-G. GRCh37 (hg19) VCF-style: chr6-76600993-GAA-G.
Other names: c.2919_2920del, p.Arg974fs (NM_001300899.2, NM_001368136.1, NM_001368137.1 and 2 more transcripts); c.2904_2905del, p.Arg969fs (NM_001368138.1); short protein forms R969fs, R974fs.
Identifiers: ClinVar variation 4714409 (VCV004714409.1).